The following is an entry in ClinVar:

ClinVar aggregate classification (germline): Benign/Likely benign. Review status: criteria provided, multiple submitters, no conflicts (2 of 4 stars). 3 submissions from 3 submitters: Benign (2); Likely benign (1). Last evaluated 2025-12-21.

Conditions:
Corneal dystrophy. Identifiers: Orphanet 34533, MedGen C0010036, MONDO:0018102, HP:0001131.

Allele frequency attached by ClinVar (database versions not stated): 1000 Genomes Project 0.00160; 1000 Genomes Project 30x 0.00203; gnomAD 0.00391 and 0.00405; gnomAD exomes 0.00398 and 0.00672; TOPMed 0.00402; ExAC 0.00451; ESP Exome Variant Server 0.00564.
gnomAD v4.1: 10,390 of 1,613,436 alleles (0.64%); highest among the groups gnomAD compares: Non-Finnish European, 0.81%; 37 homozygotes.

Submissions (3):

Labcorp Genetics (formerly Invitae), Labcorp
Classification: Benign. Last evaluated: 2025-12-21. Review status: criteria provided, single submitter. Criteria: Invitae Variant Classification Sherloc (09022015). Collection method: clinical testing. Allele origin: germline.

CeGaT Center for Human Genetics Tuebingen
Classification: Benign. Last evaluated: 2024-05-01. Review status: criteria provided, single submitter. Criteria: CeGaT Center For Human Genetics Tuebingen Variant Classification Criteria Version 2. Collection method: clinical testing. Allele origin: germline. Affected: yes. Observed: 2 variant alleles.
Comment: TGFBI: BS1, BS2

Illumina Laboratory Services, Illumina
Classification: Likely benign for Corneal dystrophy. Last evaluated: 2018-01-13. Review status: criteria provided, single submitter. Criteria: ICSL Variant Classification Criteria 13 December 2019. Collection method: clinical testing. Allele origin: germline.
Comment: This variant was observed in the ICSL laboratory as part of a predisposition screen in an ostensibly healthy population. It had not been previously curated by ICSL or reported in the Human Gene Mutation Database (HGMD: prior to June 1st, 2018), and was therefore a candidate for classification through an automated scoring system. Utilizing variant allele frequency, disease prevalence and penetrance estimates, and inheritance mode, an automated score was calculated to assess if this variant is too frequent to cause the disease. Based on the score and internal cut-off values, a variant classified as likely benign is not then subjected to further curation. The score for this variant resulted in a classification of likely benign for this disease.

NM_000358.3(TGFBI):c.2012-5T>C

Gene: TGFBI (transforming growth factor beta induced; plus strand). Cytogenetic location: 5q31.1.
Variant type: single nucleotide variant.
Coding change: c.2012-5T>C on transcript NM_000358.3 (MANE Select); 5 bases into the intron before coding-DNA position 2012, T replaced by C.
Molecular consequence: intron variant.
Genome position (GRCh38, 1-based): chr5:136,063,181, T>C. VCF-style: chr5-136063181-T-C. GRCh37 (hg19) VCF-style: chr5-135398870-T-C.
Identifiers: ClinVar variation 789285 (VCV000789285.36), dbSNP rs147650812, ClinGen allele CA3420645.